The following is an entry in ClinVar:

NM_004055.5(CAPN5):c.778C>T (p.Arg260Cys)

Gene: CAPN5 (calpain 5; plus strand). Cytogenetic location: 11q13.5.
Variant type: single nucleotide variant.
Coding change: c.778C>T on transcript NM_004055.5 (MANE Select); coding-DNA position 778, C replaced by T.
Protein change: p.Arg260Cys; replaces arginine 260 with cysteine.
Molecular consequence: missense variant.
Genome position (GRCh38, 1-based): chr11:77,115,473, C>T. VCF-style: chr11-77115473-C-T. GRCh37 (hg19) VCF-style: chr11-76826519-C-T.
Other names: c.778C>T (NM_004055.4); short protein forms R260C.
Identifiers: ClinVar variation 1059839 (VCV001059839.10), dbSNP rs782152437, ClinGen allele CA6196555.

ClinVar aggregate classification (germline): Uncertain significance. Review status: criteria provided, multiple submitters, no conflicts (2 of 4 stars). 2 submissions from 2 submitters: Uncertain significance (2). Last evaluated 2025-03-01.

Conditions:
Inborn genetic diseases. Identifiers: MedGen C0950123, MeSH D030342.

Allele frequency attached by ClinVar (database versions not stated): ExAC 0.00001; gnomAD 0.00001 and 0.00002; gnomAD exomes 0.00001; TOPMed 0.00004.
gnomAD v4.1: 15 of 1,613,088 alleles (0.00093%); highest among the groups gnomAD compares: Middle Eastern, 0.018%; no homozygotes.

Submissions (2):

Ambry Genetics
Classification: Uncertain significance for Inborn genetic diseases. Last evaluated: 2025-03-01. Review status: criteria provided, single submitter. Criteria: Ambry Variant Classification Scheme 2023. Collection method: clinical testing. Allele origin: germline.

Labcorp Genetics (formerly Invitae), Labcorp
Classification: Uncertain significance. Last evaluated: 2024-02-29. Review status: criteria provided, single submitter. Criteria: Invitae Variant Classification Sherloc (09022015). Collection method: clinical testing. Allele origin: germline.
Comment: This sequence change replaces arginine, which is basic and polar, with cysteine, which is neutral and slightly polar, at codon 260 of the CAPN5 protein (p.Arg260Cys). This variant is present in population databases (rs782152437, gnomAD 0.01%). This variant has not been reported in the literature in individuals affected with CAPN5-related conditions. ClinVar contains an entry for this variant (Variation ID: 1059839). Advanced modeling of protein sequence and biophysical properties (such as structural, functional, and spatial information, amino acid conservation, physicochemical variation, residue mobility, and thermodynamic stability) performed at Invitae indicates that this missense variant is not expected to disrupt CAPN5 protein function with a negative predictive value of 80%. In summary, the available evidence is currently insufficient to determine the role of this variant in disease. Therefore, it has been classified as a Variant of Uncertain Significance.